The following is an entry in ClinVar:

ClinVar aggregate classification (germline): Conflicting classifications of pathogenicity. Review status: criteria provided, conflicting classifications (1 of 4 stars). 2 submissions from 2 submitters: Uncertain significance (1); Likely benign (1). Last evaluated 2024-12-21.

Conditions:
Inborn genetic diseases. Identifiers: MedGen C0950123, MeSH D030342.
Baller-Gerold syndrome (BGS). Also called: CRANIOSYNOSTOSIS WITH RADIAL DEFECTS. Identifiers: Orphanet 1225, MedGen C0265308, MONDO:0009039, OMIM 218600.

Allele frequency attached by ClinVar (database versions not stated): TOPMed 0.00002; gnomAD 0.00003; gnomAD exomes 0.00013; ExAC 0.00014; 1000 Genomes Project 30x 0.00016; 1000 Genomes Project 0.00020.

Submissions (2):

Ambry Genetics
Classification: Likely benign for Inborn genetic diseases. Last evaluated: 2024-12-21. Review status: criteria provided, single submitter. Criteria: Ambry Variant Classification Scheme 2023. Collection method: clinical testing. Allele origin: germline.

Labcorp Genetics (formerly Invitae), Labcorp
Classification: Uncertain significance for Baller-Gerold syndrome. Last evaluated: 2024-11-10. Review status: criteria provided, single submitter. Criteria: Invitae Variant Classification Sherloc (09022015). Collection method: clinical testing. Allele origin: germline.
Comment: This sequence change replaces arginine, which is basic and polar, with cysteine, which is neutral and slightly polar, at codon 482 of the RECQL4 protein (p.Arg482Cys). This variant is present in population databases (rs573164516, gnomAD 0.08%), including at least one homozygous and/or hemizygous individual. This variant has not been reported in the literature in individuals affected with RECQL4-related conditions. ClinVar contains an entry for this variant (Variation ID: 459329). Invitae Evidence Modeling of protein sequence and biophysical properties (such as structural, functional, and spatial information, amino acid conservation, physicochemical variation, residue mobility, and thermodynamic stability) indicates that this missense variant is expected to disrupt RECQL4 protein function with a positive predictive value of 80%. In summary, the available evidence is currently insufficient to determine the role of this variant in disease. Therefore, it has been classified as a Variant of Uncertain Significance.

NM_004260.4(RECQL4):c.1444C>T (p.Arg482Cys)

Gene: RECQL4 (RecQ like helicase 4; minus strand). Cytogenetic location: 8q24.3.
Variant type: single nucleotide variant.
Coding change: c.1444C>T on transcript NM_004260.4 (MANE Select); coding-DNA position 1444, C replaced by T.
Protein change: p.Arg482Cys; replaces arginine 482 with cysteine.
Molecular consequence: missense variant.
Genome position (GRCh38, 1-based): chr8:144,515,189, G>A on the plus strand (C>T on the coding strand, the complement: RECQL4 is on the minus strand). VCF-style: chr8-144515189-G-A. GRCh37 (hg19) VCF-style: chr8-145740573-G-A.
Other names: short protein forms R482C.
Identifiers: ClinVar variation 459329 (VCV000459329.10), dbSNP rs573164516, ClinGen allele CA4948856.